The following is an entry in ClinVar:

NM_001200.4(BMP2):c.239T>A (p.Leu80Gln)

Gene: BMP2 (bone morphogenetic protein 2; plus strand). Cytogenetic location: 20p12.3.
Variant type: single nucleotide variant.
Coding change: c.239T>A on transcript NM_001200.4 (MANE Select); coding-DNA position 239, T replaced by A.
Protein change: p.Leu80Gln; replaces leucine 80 with glutamine.
Molecular consequence: missense variant.
Genome position (GRCh38, 1-based): chr20:6,770,365, T>A. VCF-style: chr20-6770365-T-A. GRCh37 (hg19) VCF-style: chr20-6751012-T-A.
Other names: short protein forms L80Q.
Identifiers: ClinVar variation 4692365 (VCV004692365.1).

ClinVar aggregate classification (germline): Uncertain significance (1 of 4 stars; one submission).

Submission:

Labcorp Genetics (formerly Invitae), Labcorp
Classification: Uncertain significance. Last evaluated: 2025-06-17. Review status: criteria provided, single submitter. Criteria: Invitae Variant Classification Sherloc (09022015). Collection method: clinical testing. Allele origin: germline.
Comment: This sequence change replaces leucine, which is neutral and non-polar, with glutamine, which is neutral and polar, at codon 80 of the BMP2 protein (p.Leu80Gln). This variant is not present in population databases (gnomAD no frequency). This variant has not been reported in the literature in individuals affected with BMP2-related conditions. An algorithm developed to predict the effect of missense changes on protein structure and function (PolyPhen-2) suggests that this variant is likely to be disruptive. In summary, the available evidence is currently insufficient to determine the role of this variant in disease. Therefore, it has been classified as a Variant of Uncertain Significance.